The following is an entry in ClinVar:

ClinVar aggregate classification (germline): Likely pathogenic. Review status: criteria provided, multiple submitters, no conflicts (2 of 4 stars). 2 submissions from 2 submitters: Likely pathogenic (2). Last evaluated 2023-05-01.

Conditions:
NR2E3-related disorder. Also called: NR2E3-related condition; NR2E3-related disorders. Identifiers: MedGen CN239387.

Allele frequency attached by ClinVar (database versions not stated): gnomAD exomes below 0.00001.

Submissions (2):

Labcorp Genetics (formerly Invitae), Labcorp
Classification: Likely pathogenic. Last evaluated: 2023-05-01. Review status: criteria provided, single submitter. Criteria: Invitae Variant Classification Sherloc (09022015). Collection method: clinical testing. Allele origin: germline.
Comment: This variant is not present in population databases (gnomAD no frequency). In summary, the currently available evidence indicates that the variant is pathogenic, but additional data are needed to prove that conclusively. Therefore, this variant has been classified as Likely Pathogenic. Algorithms developed to predict the effect of sequence changes on RNA splicing suggest that this variant may disrupt the consensus splice site. This variant has not been reported in the literature in individuals affected with NR2E3-related conditions. This sequence change affects an acceptor splice site in intron 2 of the NR2E3 gene. It is expected to disrupt RNA splicing. Variants that disrupt the donor or acceptor splice site typically lead to a loss of protein function (PMID: 16199547), and loss-of-function variants in NR2E3 are known to be pathogenic (PMID: 15459973, 27522502).

Blueprint Genetics
Classification: Likely pathogenic for NR2E3-related disorders. Last evaluated: 2021-09-15. Review status: criteria provided, single submitter. Criteria: ACMG Guidelines, 2015. Collection method: clinical testing. Allele origin: germline. Affected: yes. Observed: 1 variant allele.

Literature cited by the submitters: PubMed 16199547 (cited by Labcorp Genetics (formerly Invitae), Labcorp); PubMed 15459973 (cited by Labcorp Genetics (formerly Invitae), Labcorp); PubMed 27522502 (cited by Labcorp Genetics (formerly Invitae), Labcorp).

NM_014249.4(NR2E3):c.246-1G>C

Gene: NR2E3 (nuclear receptor subfamily 2 group E member 3; plus strand). Cytogenetic location: 15q23.
Variant type: single nucleotide variant.
Coding change: c.246-1G>C on transcript NM_014249.4 (MANE Select); the canonical splice acceptor site of the intron before coding-DNA position 246, G replaced by C.
Molecular consequence: splice acceptor variant.
Genome position (GRCh38, 1-based): chr15:71,811,765, G>C. VCF-style: chr15-71811765-G-C. GRCh37 (hg19) VCF-style: chr15-72104105-G-C.
Other names: c.246-1G>C (NM_016346.4).
Identifiers: ClinVar variation 2799306 (VCV002799306.4), dbSNP rs2543253698, ClinGen allele CA393032285.